The following is an entry in ClinVar:

ClinVar aggregate classification (germline): Uncertain significance (1 of 4 stars; one submission).

Submission:

Women's Health and Genetics/Laboratory Corporation of America, LabCorp
Classification: Uncertain significance. Last evaluated: 2023-07-10. Review status: criteria provided, single submitter. Criteria: LabCorp Variant Classification Summary - May 2015. Collection method: clinical testing. Allele origin: germline.
Comment: Variant summary: PCDH15 c.4777_4801dup25 (p.Gln1601ArgfsX16) results in a premature termination codon in the last exon, predicted to cause a truncation of the encoded protein, however not expected to undergo nonsense mediated decay. The variant was absent in 251352 control chromosomes. The available data on variant occurrences in the general population are insufficient to allow any conclusion about variant significance. To our knowledge, no occurrence of c.4777_4801dup25 in individuals affected with Usher Syndrome Type 1F and no experimental evidence demonstrating its impact on protein function have been reported. No submitters have cited clinical-significance assessments for this variant to ClinVar after 2014. Based on the evidence outlined above, the variant was classified as uncertain significance.

NM_033056.4(PCDH15):c.4777_4801dup (p.Gln1601fs)

Gene: PCDH15 (protocadherin related 15; minus strand). Cytogenetic location: 10q21.1.
Variant type: Duplication.
Coding change: c.4777_4801dup on transcript NM_033056.4 (MANE Plus Clinical); coding-DNA positions 4777 to 4801, 25 bases duplicated (GAGATCATAGATCTGCAGCAGTGGC).
Protein change: p.Gln1601fs; shifts the reading frame from glutamine 1601.
Molecular consequence: frameshift variant. On other transcripts: intron variant (8).
Genome position (GRCh38, 1-based): chr10:53,822,925-53,822,949, GCCACTGCTGCAGATCTATGATCTC duplicated on the plus strand (GAGATCATAGATCTGCAGCAGTGGC on the coding strand, the reverse complement: PCDH15 is on the minus strand). VCF-style (leftmost placement, unchanged base first): chr10-53822924-T-TGCCACTGCTGCAGATCTATGATCTC. GRCh37 (hg19) VCF-style: chr10-55582684-T-TGCCACTGCTGCAGATCTATGATCTC.
Other names: c.4798_4822dup, p.Gln1608fs (NM_001142763.2); c.4783_4807dup, p.Gln1603fs (NM_001142764.2); c.4570_4594dup, p.Gln1532fs (NM_001142765.2); c.4768_4792dup, p.Gln1598fs (NM_001142766.2); c.4657_4681dup, p.Gln1561fs (NM_001142767.2); c.4717_4741dup, p.Gln1581fs (NM_001142768.2); c.4708_4732dup, p.Gln1578fs (NM_001142773.2); c.4711_4735dup, p.Gln1579fs (NM_001354404.2); and 6 more; short protein forms Q1532fs, Q1561fs, Q1578fs, Q1579fs, Q1581fs, Q1598fs, Q1601fs, Q1603fs.
Identifiers: ClinVar variation 2577172 (VCV002577172.1), dbSNP rs2492395393, ClinGen allele CA2580615480.